The following is an entry in ClinVar:

ClinVar aggregate classification (germline): Uncertain significance. Review status: criteria provided, multiple submitters, no conflicts (2 of 4 stars). 6 submissions from 6 submitters: Uncertain significance (6). Last evaluated 2025-08-18.

Conditions:
Hereditary cancer-predisposing syndrome. Also called: Hereditary neoplastic syndrome; Neoplastic Syndromes, Hereditary; Tumor predisposition; Hereditary Cancer Syndrome. Identifiers: Orphanet 140162, MedGen C0027672, MeSH D009386, MONDO:0015356.
RAD50-related disorder. Also called: RAD50-related condition.
Nijmegen breakage syndrome-like disorder (NBSLD). Also called: MICROCEPHALY AND SPONTANEOUS CHROMOSOME INSTABILITY WITHOUT IMMUNODEFICIENCY; NBS-LIKE DISORDER; RAD50 DEFICIENCY. Identifiers: Orphanet 240760, MedGen C2751318, MONDO:0013118, OMIM 613078.

Allele frequency attached by ClinVar (database versions not stated): ESP Exome Variant Server 0.00008; gnomAD 0.00014; 1000 Genomes Project 30x 0.00016; TOPMed 0.00016; 1000 Genomes Project 0.00020; gnomAD exomes 0.00001 and 0.00002; ExAC 0.00004.

Submissions (6):

Labcorp Genetics (formerly Invitae), Labcorp
Classification: Uncertain significance for Hereditary cancer-predisposing syndrome. Last evaluated: 2025-08-18. Review status: criteria provided, single submitter. Criteria: Invitae Variant Classification Sherloc (09022015). Collection method: clinical testing. Allele origin: germline.
Comment: This sequence change replaces arginine, which is basic and polar, with cysteine, which is neutral and slightly polar, at codon 87 of the RAD50 protein (p.Arg87Cys). This variant is present in population databases (rs143802516, gnomAD 0.03%). This variant has not been reported in the literature in individuals affected with RAD50-related conditions. ClinVar contains an entry for this variant (Variation ID: 184899). Invitae Evidence Modeling of protein sequence and biophysical properties (such as structural, functional, and spatial information, amino acid conservation, physicochemical variation, residue mobility, and thermodynamic stability) indicates that this missense variant is not expected to disrupt RAD50 protein function with a negative predictive value of 80%. In summary, the available evidence is currently insufficient to determine the role of this variant in disease. Therefore, it has been classified as a Variant of Uncertain Significance.

Quest Diagnostics Nichols Institute San Juan Capistrano
Classification: Uncertain significance. Last evaluated: 2025-06-18. Review status: criteria provided, single submitter. Criteria: Quest Diagnostics criteria. Collection method: clinical testing. Allele origin: unknown.
Comment: The RAD50 c.259C>T (p.Arg87Cys) variant has been reported in the published literature in affected and reportedly unaffected individuals from a large-scale breast cancer association study (PMID: 33471991 (2021), see also LOVD). The frequency of this variant in the general population (Genome Aggregation Database) is uninformative in the assessment of its pathogenicity. Analysis of this variant using bioinformatics tools for the prediction of the effect of amino acid changes on protein structure and function yielded conflicting predictions that this variant is deleterious or benign. Based on the available information, we are unable to determine the clinical significance of this variant.

Ambry Genetics
Classification: Uncertain significance for Hereditary cancer-predisposing syndrome. Last evaluated: 2024-09-30. Review status: criteria provided, single submitter. Criteria: Ambry Variant Classification Scheme 2023. Collection method: clinical testing. Allele origin: germline.
Comment: The p.R87C variant (also known as c.259C>T), located in coding exon 3 of the RAD50 gene, results from a C to T substitution at nucleotide position 259. The arginine at codon 87 is replaced by cysteine, an amino acid with highly dissimilar properties. This variant was identified in a cohort of 3,579 African males diagnosed with prostate cancer who underwent multi-gene panel testing of 19 DNA repair and cancer predisposition genes (Matejcic M et al. JCO Precis Oncol, 2020 Jan;4:32-43). This amino acid position is not well conserved in available vertebrate species. In addition, this alteration is predicted to be tolerated by in silico analysis. Since supporting evidence is limited at this time, the clinical significance of this alteration remains unclear.

Baylor Genetics
Classification: Uncertain significance for Nijmegen breakage syndrome-like disorder. Last evaluated: 2023-10-09. Review status: criteria provided, single submitter. Criteria: ACMG Guidelines, 2015. Collection method: clinical testing. Allele origin: unknown.

PreventionGenetics, part of Exact Sciences
Classification: Uncertain significance for RAD50-related condition. Last evaluated: 2022-09-27. Review status: criteria provided, single submitter. Criteria: ACMG Guidelines, 2015. Collection method: clinical testing. Allele origin: germline.
Comment: The RAD50 c.259C>T variant is predicted to result in the amino acid substitution p.Arg87Cys. To our knowledge, this variant has not been reported in the literature. This variant is reported in 0.032% of alleles in individuals of African descent in gnomAD and is interpreted as uncertain significance in ClinVar. At this time, the clinical significance of this variant is uncertain due to the absence of conclusive functional and genetic evidence.

Women's Health and Genetics/Laboratory Corporation of America, LabCorp
Classification: Uncertain significance. Last evaluated: 2022-07-04. Review status: criteria provided, single submitter. Criteria: LabCorp Variant Classification Summary - May 2015. Collection method: clinical testing. Allele origin: germline.
Comment: Variant summary: RAD50 c.259C>T (p.Arg87Cys) results in a non-conservative amino acid change located in the Rad50/SbcC-type AAA domain of the encoded protein sequence. Three of five in-silico tools predict a damaging effect of the variant on protein function. The variant allele was found at a frequency of 3.2e-05 in 282706 control chromosomes, predominantly at a frequency of 0.00032 within the African or African-American subpopulation in the gnomAD database. The available data on variant occurrences in the general population are insufficient to allow any conclusion about variant significance. To our knowledge, no occurrence of c.259C>T in individuals affected with Hereditary Breast And Ovarian Cancer Syndrome and no experimental evidence demonstrating its impact on protein function have been reported. Two clinical diagnostic laboratories have submitted clinical-significance assessments for this variant to ClinVar after 2014 without evidence for independent evaluation. All laboratories classified the variant as uncertain significance. Based on the evidence outlined above, the variant was classified as uncertain significance.

Literature cited by the submitters: PubMed 33471991 (cited by Quest Diagnostics Nichols Institute San Juan Capistrano); PubMed 36543879 (cited by Quest Diagnostics Nichols Institute San Juan Capistrano); PubMed 35412613 (cited by Quest Diagnostics Nichols Institute San Juan Capistrano); PubMed 32620917 (cited by Quest Diagnostics Nichols Institute San Juan Capistrano); PubMed 32832836 (cited by Ambry Genetics).

NM_005732.4(RAD50):c.259C>T (p.Arg87Cys)

Gene: RAD50 (RAD50 double strand break repair protein; plus strand). Cytogenetic location: 5q31.1.
Variant type: single nucleotide variant.
Coding change: c.259C>T on transcript NM_005732.4 (MANE Select); coding-DNA position 259, C replaced by T.
Protein change: p.Arg87Cys; replaces arginine 87 with cysteine.
Molecular consequence: missense variant.
Genome position (GRCh38, 1-based): chr5:132,575,822, C>T. VCF-style: chr5-132575822-C-T. GRCh37 (hg19) VCF-style: chr5-131911514-C-T.
Other names: short protein forms R87C.
Identifiers: ClinVar variation 184899 (VCV000184899.22), dbSNP rs143802516, ClinGen allele CA333860.